The following is an entry in ClinVar:

ClinVar aggregate classification (germline): Benign. Review status: criteria provided, single submitter (1 of 4 stars). 2 submissions from 2 submitters: Benign (1). 1 of the submissions does not count toward it. Last evaluated 2024-10-17.

Conditions:
PHF21A-related disorder. Also called: PHF21A-related condition.

Allele frequency attached by ClinVar (database versions not stated): TOPMed 0.00007; gnomAD 0.00013; gnomAD exomes 0.00013; 1000 Genomes Project 30x 0.00016; 1000 Genomes Project 0.00020; ExAC 0.00027.
gnomAD v4.1: 204 of 1,576,534 alleles (0.013%); highest among the groups gnomAD compares: South Asian, 0.16%; 4 homozygotes.

Submissions (2):

Labcorp Genetics (formerly Invitae), Labcorp
Classification: Benign. Last evaluated: 2024-10-17. Review status: criteria provided, single submitter. Criteria: Invitae Variant Classification Sherloc (09022015). Collection method: clinical testing. Allele origin: germline.

PreventionGenetics, part of Exact Sciences
Classification: Likely benign for PHF21A-related condition. Last evaluated: 2019-09-18. Review status: no assertion criteria provided. Collection method: clinical testing. Allele origin: germline. Not counted in ClinVar's aggregate classification.
Comment: This variant is classified as likely benign based on ACMG/AMP sequence variant interpretation guidelines (Richards et al. 2015 PMID: 25741868, with internal and published modifications).

NM_001352027.3(PHF21A):c.1095+9A>G

Gene: PHF21A (PHD finger protein 21A; minus strand). Cytogenetic location: 11p11.2.
Variant type: single nucleotide variant.
Coding change: c.1095+9A>G on transcript NM_001352027.3 (MANE Select); 9 bases into the intron after coding-DNA position 1095, A replaced by G.
Molecular consequence: intron variant.
Genome position (GRCh38, 1-based): chr11:45,953,518, T>C on the plus strand (A>G on the coding strand, the complement: PHF21A is on the minus strand). VCF-style: chr11-45953518-T-C. GRCh37 (hg19) VCF-style: chr11-45975069-T-C.
Other names: c.1095+9A>G (NM_016621.3, NM_001352026.3, NM_016621.5 and 3 more transcripts); c.1092+9A>G (NM_001352030.3, NM_001101802.3, NM_001352031.3 and 1 more transcripts).
Identifiers: ClinVar variation 2910760 (VCV002910760.5), dbSNP rs550815548, ClinGen allele CA5961218.